The following is an entry in ClinVar:

NM_001111125.3(IQSEC2):c.2811G>C (p.Gln937His)

Gene: IQSEC2 (IQ motif and Sec7 domain ArfGEF 2; minus strand). Cytogenetic location: Xp11.22.
Variant type: single nucleotide variant.
Coding change: c.2811G>C on transcript NM_001111125.3 (MANE Select); coding-DNA position 2811, G replaced by C.
Protein change: p.Gln937His; replaces glutamine 937 with histidine.
Molecular consequence: missense variant.
Genome position (GRCh38, 1-based): chrX:53,243,410, C>G on the plus strand (G>C on the coding strand, the complement: IQSEC2 is on the minus strand). VCF-style: chrX-53243410-C-G. GRCh37 (hg19) VCF-style: chrX-53272592-C-G.
Other names: c.2196G>C, p.Gln732His (NM_015075.2); short protein forms Q732H, Q937H.
Identifiers: ClinVar variation 1331191 (VCV001331191.2), dbSNP rs781835138, ClinGen allele CA413153928.

ClinVar aggregate classification (germline): Uncertain significance (1 of 4 stars; one submission).

Submission:

GeneDx
Classification: Uncertain significance. Last evaluated: 2021-06-27. Review status: criteria provided, single submitter. Criteria: GeneDx Variant Classification Process June 2021. Collection method: clinical testing. Allele origin: germline. Affected: yes.
Comment: Not observed at significant frequency in large population cohorts (Lek et al., 2016); In silico analysis supports that this missense variant has a deleterious effect on protein structure/function; Has not been previously published as pathogenic or benign to our knowledge; This variant is associated with the following publications: (PMID: 27535533)